The following is an entry in ClinVar:

ClinVar aggregate classification (germline): Uncertain significance (1 of 4 stars; one submission).

Conditions:
PHIP-related disorder. Also called: PHIP-related disorders; PHIP-related condition.

Submission:

PreventionGenetics, part of Exact Sciences
Classification: Uncertain significance for PHIP-related condition. Last evaluated: 2025-08-26. Review status: criteria provided, single submitter. Criteria: ACMG Guidelines, 2015. Collection method: clinical testing. Allele origin: germline.
Comment: The PHIP c.1890A>C variant is predicted to result in the amino acid substitution p.Gln630His. To our knowledge, this variant has not been reported in the literature or in a large population database (gnomAD), indicating this variant is rare. At this time, the clinical significance of this variant is uncertain due to the absence of conclusive functional and genetic evidence.

NM_017934.7(PHIP):c.1890A>C (p.Gln630His)

Gene: PHIP (PHIP subunit of CUL4-Ring ligase complex; minus strand). Cytogenetic location: 6q14.1.
Variant type: single nucleotide variant.
Coding change: c.1890A>C on transcript NM_017934.7 (MANE Select); coding-DNA position 1890, A replaced by C.
Protein change: p.Gln630His; replaces glutamine 630 with histidine.
Molecular consequence: missense variant.
Genome position (GRCh38, 1-based): chr6:78,998,381, T>G on the plus strand (A>C on the coding strand, the complement: PHIP is on the minus strand). VCF-style: chr6-78998381-T-G. GRCh37 (hg19) VCF-style: chr6-79708098-T-G.
Other names: short protein forms Q630H.
Identifiers: ClinVar variation 4996183 (VCV004996183.1).